The following is an entry in ClinVar:

NM_144687.4(NLRP12):c.2458G>A (p.Ala820Thr)

Gene: NLRP12 (NLR family pyrin domain containing 12; minus strand). Cytogenetic location: 19q13.42.
Variant type: single nucleotide variant.
Coding change: c.2458G>A on transcript NM_144687.4 (MANE Select); coding-DNA position 2458, G replaced by A.
Protein change: p.Ala820Thr; replaces alanine 820 with threonine.
Molecular consequence: missense variant.
Genome position (GRCh38, 1-based): chr19:53,804,079, C>T on the plus strand (G>A on the coding strand, the complement: NLRP12 is on the minus strand). VCF-style: chr19-53804079-C-T. GRCh37 (hg19) VCF-style: chr19-54307333-C-T.
Other names: c.2461G>A, p.Ala821Thr (NM_001277126.2); c.2458G>A, p.Ala820Thr (NM_001277129.1); c.2458G>A (NM_144687.2); short protein forms A820T, A821T.
Identifiers: ClinVar variation 1363640 (VCV001363640.9), dbSNP rs758809508, ClinGen allele CA9639066.

ClinVar aggregate classification (germline): Uncertain significance. Review status: criteria provided, multiple submitters, no conflicts (2 of 4 stars). 2 submissions from 2 submitters: Uncertain significance (2). Last evaluated 2025-06-18.

Conditions:
Inborn genetic diseases. Identifiers: MedGen C0950123, MeSH D030342.
Familial cold autoinflammatory syndrome 2 (FCAS2). Identifiers: Orphanet 247868, MedGen C2673198, MONDO:0012724, OMIM 611762.

Allele frequency attached by ClinVar (database versions not stated): ExAC 0.00002; gnomAD exomes 0.00002.
gnomAD v4.1: 8 of 1,614,064 alleles (0.0005%); highest among the groups gnomAD compares: Non-Finnish European, 0.00068%; no homozygotes.

Submissions (2):

Ambry Genetics
Classification: Uncertain significance for Inborn genetic diseases. Last evaluated: 2025-06-18. Review status: criteria provided, single submitter. Criteria: Ambry Variant Classification Scheme 2023. Collection method: clinical testing. Allele origin: germline.

Labcorp Genetics (formerly Invitae), Labcorp
Classification: Uncertain significance for Familial cold autoinflammatory syndrome 2. Last evaluated: 2025-02-23. Review status: criteria provided, single submitter. Criteria: Invitae Variant Classification Sherloc (09022015). Collection method: clinical testing. Allele origin: germline.
Comment: This sequence change replaces alanine, which is neutral and non-polar, with threonine, which is neutral and polar, at codon 820 of the NLRP12 protein (p.Ala820Thr). This variant is present in population databases (rs758809508, gnomAD 0.004%). This variant has not been reported in the literature in individuals affected with NLRP12-related conditions. ClinVar contains an entry for this variant (Variation ID: 1363640). Invitae Evidence Modeling of protein sequence and biophysical properties (such as structural, functional, and spatial information, amino acid conservation, physicochemical variation, residue mobility, and thermodynamic stability) indicates that this missense variant is not expected to disrupt NLRP12 protein function with a negative predictive value of 80%. In summary, the available evidence is currently insufficient to determine the role of this variant in disease. Therefore, it has been classified as a Variant of Uncertain Significance.